The following is an entry in ClinVar:

ClinVar aggregate classification (germline): Benign. Review status: criteria provided, multiple submitters, no conflicts (2 of 4 stars). 3 submissions from 3 submitters: Benign (3). Last evaluated 2021-07-30.

Conditions:
Cataract 22 multiple types. Also called: CATARACT 22, MULTIPLE TYPES, AUTOSOMAL DOMINANT; Cataract 22; CATARACT 22, NUCLEAR, AUTOSOMAL RECESSIVE. Identifiers: Orphanet 91492, MedGen C1857853, MONDO:0012336, OMIM 609741.

Allele frequency attached by ClinVar (database versions not stated): ESP Exome Variant Server 0.61164; TOPMed 0.62800; 1000 Genomes Project 0.65495; 1000 Genomes Project 30x 0.65849; gnomAD exomes 0.53145 and 0.56357; gnomAD 0.60394 and 0.60613.
gnomAD v4.1: 868,820 of 1,611,378 alleles (54%); highest among the groups gnomAD compares: African/African-American, 79%; 238,312 homozygotes.

Submissions (3):

Genome-Nilou Lab
Classification: Benign for Cataract 22 multiple types. Last evaluated: 2021-07-30. Review status: criteria provided, single submitter. Criteria: ACMG Guidelines, 2015. Collection method: clinical testing. Allele origin: germline. Affected: no.

GeneDx
Classification: Benign. Last evaluated: 2018-03-24. Review status: criteria provided, single submitter. Criteria: GeneDx Variant Classification (06012015). Collection method: clinical testing. Allele origin: germline. Affected: yes.
Comment: This variant is considered likely benign or benign based on one or more of the following criteria: it is a conservative change, it occurs at a poorly conserved position in the protein, it is predicted to be benign by multiple in silico algorithms, and/or has population frequency not consistent with disease.

Breakthrough Genomics
Classification: Benign. Review status: criteria provided, single submitter. Criteria: ACMG Guidelines, 2015. Collection method: not provided. Allele origin: germline. Inheritance: Autosomal dominant inheritance. Affected: yes.

NM_004076.5(CRYBB3):c.-20-13T>C

Gene: CRYBB3 (crystallin beta B3; plus strand). Cytogenetic location: 22q11.23.
Variant type: single nucleotide variant.
Coding change: c.-20-13T>C on transcript NM_004076.5 (MANE Select); 13 bases into the intron before 20 bases upstream of the start codon, T replaced by C.
Molecular consequence: intron variant.
Genome position (GRCh38, 1-based): chr22:25,201,364, T>C. VCF-style: chr22-25201364-T-C. GRCh37 (hg19) VCF-style: chr22-25597331-T-C.
Identifiers: ClinVar variation 340947 (VCV000340947.9), dbSNP rs2269672, ClinGen allele CA10157615.
Genomic context (GRCh38, chr22:25,201,364, plus strand): 5'-CCTGGACTCCAGTCACATCAACACCTGGCTTCTCCCGGGTGGATCCAGTGAACCATTTTC[T>C]TTTGGTTTGAAGCCAGAGGTGTTCCTGGGGAGATGGCGGAACAGCACGGAGCACCCGAAC-3'